The following is an entry in ClinVar:

ClinVar aggregate classification (germline): Conflicting classifications of pathogenicity. Review status: criteria provided, conflicting classifications (1 of 4 stars). 6 submissions from 6 submitters: Uncertain significance (1); Likely benign (2). 3 of the submissions do not count toward it. Last evaluated 2025-10-26.

Conditions:
GLI2-related disorder. Also called: GLI2-related condition; GLI2-related disorders.
Holoprosencephaly 9 (HPE9). Also called: HOLOPROSENCEPHALY WITH MICROPHTHALMIA AND FIRST BRANCHIAL ARCH ANOMALIES; PITUITARY ANOMALIES WITH HOLOPROSENCEPHALY-LIKE FEATURES. Identifiers: Orphanet 2162, MedGen C1835819, MONDO:0012563, OMIM 610829.
Postaxial polydactyly-anterior pituitary anomalies-facial dysmorphism syndrome. Also called: Culler-Jones syndrome. Identifiers: Orphanet 420584, MedGen C4014479, MONDO:0014369, OMIM 615849.

Allele frequency attached by ClinVar (database versions not stated): gnomAD exomes 0.00006 and 0.00011; ExAC 0.00015; 1000 Genomes Project 30x 0.00016; 1000 Genomes Project 0.00020; gnomAD 0.00038 and 0.00041; TOPMed 0.00046; ESP Exome Variant Server 0.00069.

Submissions (6):

Labcorp Genetics (formerly Invitae), Labcorp
Classification: Likely benign for Postaxial polydactyly-anterior pituitary anomalies-facial dysmorphism syndrome; Holoprosencephaly 9. Last evaluated: 2025-10-26. Review status: criteria provided, single submitter. Criteria: Invitae Variant Classification Sherloc (09022015). Collection method: clinical testing. Allele origin: germline.

Blueprint Genetics
Classification: Likely benign. Last evaluated: 2024-08-26. Review status: criteria provided, single submitter. Criteria: ACMG Guidelines, 2015. Collection method: clinical testing. Allele origin: germline.

ARUP Laboratories, Molecular Genetics and Genomics, ARUP Laboratories
Classification: Uncertain significance. Last evaluated: 2016-12-29. Review status: criteria provided, single submitter. Criteria: ARUP Molecular Germline Variant Investigation Process. Collection method: clinical testing. Allele origin: germline.

PreventionGenetics, part of Exact Sciences
Classification: Likely benign for GLI2-related condition. Last evaluated: 2023-05-23. Review status: no assertion criteria provided. Collection method: clinical testing. Allele origin: germline. Not counted in ClinVar's aggregate classification.
Comment: This variant is classified as likely benign based on ACMG/AMP sequence variant interpretation guidelines (Richards et al. 2015 PMID: 25741868, with internal and published modifications).

Clinical Genetics DNA and cytogenetics Diagnostics Lab, Erasmus MC, Erasmus Medical Center
Classification: Likely benign. Review status: no assertion criteria provided. Collection method: clinical testing. Allele origin: germline. Affected: yes. Study: VKGL Data-share Consensus. Not counted in ClinVar's aggregate classification.

Laboratory of Diagnostic Genome Analysis, Leiden University Medical Center (LUMC)
Classification: Likely benign. Review status: no assertion criteria provided. Collection method: clinical testing. Allele origin: germline. Affected: yes. Study: VKGL Data-share Consensus. Not counted in ClinVar's aggregate classification.

NM_001374353.1(GLI2):c.3672G>A (p.Met1224Ile)

Gene: GLI2 (GLI family zinc finger 2; plus strand). Cytogenetic location: 2q14.2.
Variant type: single nucleotide variant.
Coding change: c.3672G>A on transcript NM_001374353.1 (MANE Select); coding-DNA position 3672, G replaced by A.
Protein change: p.Met1224Ile; replaces methionine 1224 with isoleucine.
Molecular consequence: missense variant.
Genome position (GRCh38, 1-based): chr2:120,989,637, G>A. VCF-style: chr2-120989637-G-A. GRCh37 (hg19) VCF-style: chr2-121747213-G-A.
Other names: c.3723G>A, p.Met1241Ile (NM_001371271.1, NM_005270.5); c.3297G>A, p.Met1099Ile (NM_001374354.1); c.3723G>A (NM_005270.4); short protein forms M1241I, M1224I, M1099I.
Identifiers: ClinVar variation 439760 (VCV000439760.21), dbSNP rs138191075, ClinGen allele CA1852468.